The following is an entry in ClinVar:

ClinVar aggregate classification (germline): Conflicting classifications of pathogenicity. Review status: criteria provided, conflicting classifications (1 of 4 stars). 2 submissions from 2 submitters: Uncertain significance (1); Likely benign (1). Last evaluated 2026-09-09.

Conditions:
CIC-related disorder. Also called: CIC-related condition.

Allele frequency attached by ClinVar (database versions not stated): gnomAD exomes 0.00001; gnomAD 0.00002; TOPMed 0.00004.
gnomAD v4.1: 7 of 399,012 alleles (0.0018%); highest among the groups gnomAD compares: Non-Finnish European, 0.0022%; no homozygotes.

Submissions (2):

PreventionGenetics, part of Exact Sciences
Classification: Likely benign for CIC-related condition. Last evaluated: 2026-09-09. Review status: criteria provided, single submitter. Criteria: ACMG Guidelines, 2015. Collection method: clinical testing. Allele origin: germline.
Comment: This variant is classified as likely benign based on ACMG/AMP sequence variant interpretation guidelines (Richards et al. 2015 PMID: 25741868, with internal and published modifications).

CeGaT Center for Human Genetics Tuebingen
Classification: Uncertain significance. Last evaluated: 2022-09-01. Review status: criteria provided, single submitter. Criteria: CeGaT Center For Human Genetics Tuebingen Variant Classification Criteria Version 2. Collection method: clinical testing. Allele origin: germline. Affected: yes. Observed: 1 variant allele.

NM_001386298.1(CIC):c.2399G>A (p.Arg800His)

Gene: CIC (capicua transcriptional repressor; plus strand). Cytogenetic location: 19q13.2.
Variant type: single nucleotide variant.
Coding change: c.2399G>A on transcript NM_001386298.1 (MANE Select); coding-DNA position 2399, G replaced by A.
Protein change: p.Arg800His; replaces arginine 800 with histidine.
Molecular consequence: missense variant.
Genome position (GRCh38, 1-based): chr19:42,274,182, G>A. VCF-style: chr19-42274182-G-A. GRCh37 (hg19) VCF-style: chr19-42778334-G-A.
Other names: c.2399G>A, p.Arg800His (NM_001304815.2, NM_001379480.1, NM_001379482.1 and 1 more transcripts); short protein forms R800H.
Identifiers: ClinVar variation 2628980 (VCV002628980.25), dbSNP rs1193038690, ClinGen allele CA406089463.
Genomic context (GRCh38, chr19:42,274,182, plus strand): 5'-CACCATTGCTGCTGTTGCCACCCCCTGCCGGCCTGACCTCGGATCCAGGGCCCTCTGTGC[G>A]CAGGGTGCCTGCTGTGCAGCGGGACTCACCTGTTATTGTCCGCAACCCTGATGTGCCACT-3'
Protein context (NP_001373227.1, residues 790-810): GLTSDPGPSV[Arg800His]RVPAVQRDSP